The following is an entry in ClinVar:

NM_001110556.2(FLNA):c.7221C>T (p.Asn2407=)

Gene: FLNA (filamin A; minus strand). Cytogenetic location: Xq28.
Variant type: single nucleotide variant.
Coding change: c.7221C>T on transcript NM_001110556.2 (MANE Select); coding-DNA position 7221, C replaced by T.
Protein change: p.Asn2407=; no amino-acid change (asparagine 2407 retained).
Molecular consequence: synonymous variant.
Genome position (GRCh38, 1-based): chrX:154,350,143, G>A on the plus strand (C>T on the coding strand, the complement: FLNA is on the minus strand). VCF-style: chrX-154350143-G-A. GRCh37 (hg19) VCF-style: chrX-153578511-G-A.
Other names: p.N2399N:AAC>AAT; c.7197C>T, p.Asn2399= (NM_001456.4).
Identifiers: ClinVar variation 213454 (VCV000213454.17), dbSNP rs782129907, ClinGen allele CA324770.

ClinVar aggregate classification (germline): Benign/Likely benign. Review status: criteria provided, multiple submitters, no conflicts (2 of 4 stars). 6 submissions from 6 submitters: Benign (2); Likely benign (4). Last evaluated 2026-06-01.

Conditions:
Melnick-Needles syndrome (MNS). Also called: MELNICK-NEEDLES OSTEODYSPLASTY; Melnick-Needles Syndrome (FLNA-MNS); OSTEODYSPLASTY OF MELNICK AND NEEDLES. Identifiers: Orphanet 2484, MedGen C0025237, MONDO:0010650, OMIM 309350.
Heterotopia, periventricular, X-linked dominant (PVNH1). Also called: PERIVENTRICULAR NODULAR HETEROTOPIA 4; HETEROTOPIA, PERIVENTRICULAR, 1; X-linked periventricular heterotopia; PERIVENTRICULAR NODULAR HETEROTOPIA 1. Identifiers: Orphanet 2149, Orphanet 82004, MedGen C1848213, MONDO:0010233, OMIM 300049.
Oto-palato-digital syndrome, type II (OPD2). Also called: FACIOPALATOOSSEOUS SYNDROME; Otopalatodigital Syndrome, Type II; Otopalatodigital Syndrome Type 2 (FLNA-OPD2); OPD II SYNDROME. Identifiers: Orphanet 669, Orphanet 90652, MedGen C1844696, MONDO:0010571, OMIM 304120.
Frontometaphyseal dysplasia (FMD1). Identifiers: Orphanet 1826, MedGen C0265293, MONDO:0015942.
Familial thoracic aortic aneurysm and aortic dissection (TAAD). Also called: Thoracic aortic aneurysms and dissections. Identifiers: Orphanet 91387, MedGen C4707243, MONDO:0019625.
Connective tissue disorder. Also called: Connective tissue disease. Identifiers: MedGen C0009782, MONDO:0003900.

Allele frequency attached by ClinVar (database versions not stated): gnomAD exomes 0.00004; ExAC 0.00005; gnomAD 0.00008 and 0.00010; TOPMed 0.00010.
gnomAD v4.1: 51 of 1,209,995 alleles (0.0042%); highest among the groups gnomAD compares: African/African-American, 0.01%; no homozygotes.

Submissions (6):

CeGaT Center for Human Genetics Tuebingen
Classification: Likely benign. Last evaluated: 2026-06-01. Review status: criteria provided, single submitter. Criteria: CeGaT Center For Human Genetics Tuebingen Variant Classification Criteria Version 2. Collection method: clinical testing. Allele origin: germline. Affected: yes. Observed: 1 variant allele.
Comment: FLNA: BP4, BP7, BS2

Labcorp Genetics (formerly Invitae), Labcorp
Classification: Benign for Oto-palato-digital syndrome, type II; Heterotopia, periventricular, X-linked dominant; Frontometaphyseal dysplasia; Melnick-Needles syndrome. Last evaluated: 2026-01-31. Review status: criteria provided, single submitter. Criteria: Invitae Variant Classification Sherloc (09022015). Collection method: clinical testing. Allele origin: germline.

Blueprint Genetics
Classification: Likely benign. Last evaluated: 2022-06-23. Review status: criteria provided, single submitter. Criteria: ACMG Guidelines, 2015. Collection method: clinical testing. Allele origin: germline.

Ambry Genetics
Classification: Likely benign for Familial thoracic aortic aneurysm and aortic dissection. Last evaluated: 2018-10-20. Review status: criteria provided, single submitter. Criteria: Ambry Variant Classification Scheme 2023. Collection method: clinical testing. Allele origin: germline.

Center for Human Genetics, Inc
Classification: Likely benign for Connective tissue disorder. Last evaluated: 2016-11-01. Review status: criteria provided, single submitter. Criteria: ACMG Guidelines, 2015. Collection method: clinical testing. Allele origin: germline. Affected: yes.

GeneDx
Classification: Benign. Last evaluated: 2015-01-02. Review status: criteria provided, single submitter. Criteria: GeneDx Variant Classification (06012015). Collection method: clinical testing. Allele origin: germline. Affected: yes.
Comment: This variant is considered likely benign or benign based on one or more of the following criteria: it is a conservative change, it occurs at a poorly conserved position in the protein, it is predicted to be benign by multiple in silico algorithms, and/or has population frequency not consistent with disease.